The following is an entry in ClinVar:

NM_000038.6(APC):c.3049_3051del (p.Asn1017del)

Gene: APC (APC regulator of Wnt signaling pathway; plus strand). Cytogenetic location: 5q22.2.
Variant type: Deletion.
Coding change: c.3049_3051del on transcript NM_000038.6 (MANE Select); coding-DNA positions 3049 to 3051, 3 bases deleted (AAT; older notation c.3049_3051delAAT).
Protein change: p.Asn1017del; deletes asparagine 1017.
Molecular consequence: inframe deletion.
Genome position (GRCh38, 1-based): chr5:112,838,643-112,838,645, AAT deleted; deleting any 3 consecutive bases within chr5:112,838,641-112,838,645 gives the same sequence; the c. name uses the placement nearest the transcript's 3' end. VCF-style (leftmost placement, unchanged base first): chr5-112838640-GATA-G. GRCh37 (hg19) VCF-style: chr5-112174337-GATA-G.
Other names: c.3049_3051del, p.Asn1017del (NM_001127510.3, NM_001354895.2); c.2995_2997del, p.Asn999del (NM_001127511.3); c.3103_3105del, p.Asn1035del (NM_001354896.2); c.3079_3081del, p.Asn1027del (NM_001354897.2); c.2974_2976del, p.Asn992del (NM_001354898.2); c.2965_2967del, p.Asn989del (NM_001354899.2); c.2926_2928del, p.Asn976del (NM_001354900.2); c.2872_2874del, p.Asn958del (NM_001354901.2); and 5 more; short protein forms N1017del, N999del, N891del, N976del, N1035del, N857del, N916del, N989del.
Identifiers: ClinVar variation 181776 (VCV000181776.27), dbSNP rs730881229, ClinGen allele CA008002.
Genomic context (GRCh38, chr5:112,838,640, plus strand): 5'-AGTTATGGTCAATACCCAGCCGACCTAGCCCATAAAATACATAGTGCAAATCATATGGAT[GATA>G]ATGATGGAGAACTAGATACACCAATAAATTATAGTCTTAAATATTCAGATGAGCAGTTGA-3'

ClinVar aggregate classification (germline): Uncertain significance. Review status: criteria provided, multiple submitters, no conflicts (2 of 4 stars). 7 submissions from 7 submitters: Uncertain significance (7). Last evaluated 2025-12-28.

Conditions:
Classic or attenuated familial adenomatous polyposis. Identifiers: MedGen CN372698, MONDO:0021057.
Hereditary cancer-predisposing syndrome. Also called: Tumor predisposition; Hereditary Cancer Syndrome; Hereditary neoplastic syndrome; Neoplastic Syndromes, Hereditary. Identifiers: Orphanet 140162, MedGen C0027672, MeSH D009386, MONDO:0015356.
Familial adenomatous polyposis 1 (FAP1). Also called: FAMILIAL ADENOMATOUS POLYPOSIS 1, ATTENUATED; POLYPOSIS, ADENOMATOUS INTESTINAL. Identifiers: MedGen C2713442, MONDO:0021056, OMIM 175100. Disease mechanism: loss of function.

Submissions (7):

Labcorp Genetics (formerly Invitae), Labcorp
Classification: Uncertain significance for Familial adenomatous polyposis 1. Last evaluated: 2025-12-28. Review status: criteria provided, single submitter. Criteria: Invitae Variant Classification Sherloc (09022015). Collection method: clinical testing. Allele origin: germline.
Comment: This variant, c.3049_3051del, results in the deletion of 1 amino acid(s) of the APC protein (p.Asn1017del), but otherwise preserves the integrity of the reading frame. This variant is present in population databases (rs773578423, gnomAD 0.003%). This variant has not been reported in the literature in individuals affected with APC-related conditions. ClinVar contains an entry for this variant (Variation ID: 181776). Experimental studies and prediction algorithms are not available or were not evaluated, and the functional significance of this variant is currently unknown. In summary, the available evidence is currently insufficient to determine the role of this variant in disease. Therefore, it has been classified as a Variant of Uncertain Significance.

Quest Diagnostics Nichols Institute San Juan Capistrano
Classification: Uncertain significance. Last evaluated: 2025-10-20. Review status: criteria provided, single submitter. Criteria: Quest Diagnostics criteria. Collection method: clinical testing. Allele origin: unknown.
Comment: The APC c.3049_3051del (p.Asn1017del) variant has been reported in the published literature in an individual affected with pancreatic cancer (PMID: 36717774 (2023)). The frequency of this variant in the general population (Genome Aggregation Database) is uninformative in the assessment of its pathogenicity. Based on the available information, we are unable to determine the clinical significance of this variant.

Ambry Genetics
Classification: Uncertain significance for Hereditary cancer-predisposing syndrome. Last evaluated: 2024-01-02. Review status: criteria provided, single submitter. Criteria: Ambry Variant Classification Scheme 2023. Collection method: clinical testing. Allele origin: germline.
Comment: The c.3049_3051delAAT variant (also known as p.N1017del) is located in coding exon 15 of the APC gene. This variant results from an in-frame AAT deletion at nucleotide positions 3049 to 3051. This results in the in-frame deletion of an asparagine at codon 1017. This amino acid position is well conserved in available vertebrate species. In addition, this alteration is predicted to be neutral by in silico analysis (Choi Y et al. PLoS ONE. 2012; 7(10):e46688). Since supporting evidence is limited at this time, the clinical significance of this alteration remains unclear.

All of Us Research Program, National Institutes of Health
Classification: Uncertain significance for Classic or attenuated familial adenomatous polyposis. Last evaluated: 2023-08-23. Review status: criteria provided, single submitter. Criteria: ACMG Guidelines, 2015. Collection method: clinical testing. Allele origin: germline. Inheritance: Autosomal dominant inheritance. Observed: 2 variant alleles, 2 heterozygotes.
Comment: This variant causes an in-frame deletion of 1 amino acids at exon 16 of the APC protein. To our knowledge, functional studies have not been reported for this variant. This variant has not been reported in individuals affected with APC-related disorders in the literature. This variant has been identified in 1/251128 chromosomes in the general population by the Genome Aggregation Database (gnomAD). The available evidence is insufficient to determine the role of this variant in disease conclusively. Therefore, this variant is classified as a Variant of Uncertain Significance.

This study involves interpretation of variants in research participants for the purpose of population health screening. Participant phenotype was not available at the time of variant classification. Additional details can be found in publication PMID: 35346344, PMCID: PMC8962531

Color Diagnostics, LLC DBA Color Health
Classification: Uncertain significance for Hereditary cancer-predisposing syndrome. Last evaluated: 2023-08-10. Review status: criteria provided, single submitter. Criteria: ACMG Guidelines, 2015. Collection method: clinical testing. Allele origin: germline.
Comment: This variant causes an in-frame deletion of 1 amino acids at exon 16 of the APC protein. To our knowledge, functional studies have not been reported for this variant. This variant has not been reported in individuals affected with APC-related disorders in the literature. This variant has been identified in 1/251128 chromosomes in the general population by the Genome Aggregation Database (gnomAD). The available evidence is insufficient to determine the role of this variant in disease conclusively. Therefore, this variant is classified as a Variant of Uncertain Significance.

GeneDx
Classification: Uncertain significance. Last evaluated: 2023-04-11. Review status: criteria provided, single submitter. Criteria: GeneDx Variant Classification Process June 2021. Collection method: clinical testing. Allele origin: germline. Affected: yes.
Comment: Not observed at significant frequency in large population cohorts (gnomAD); In-frame deletion of 1 amino acid in a non-repeat region; In silico analysis, which includes protein predictors and evolutionary conservation, supports that this variant does not alter protein structure/function; Has not been previously published as pathogenic or benign to our knowledge

PreventionGenetics, part of Exact Sciences
Classification: Uncertain significance. Last evaluated: 2017-01-12. Review status: criteria provided, single submitter. Criteria: ACMG Guidelines, 2015. Collection method: clinical testing. Allele origin: germline.

Literature cited by the submitters: PubMed 36717774 (cited by Quest Diagnostics Nichols Institute San Juan Capistrano).